The following is an entry in ClinVar:

NM_020708.5(SLC12A5):c.1196A>G (p.Tyr399Cys)

Gene: SLC12A5 (solute carrier family 12 member 5; plus strand). Cytogenetic location: 20q13.12.
Variant type: single nucleotide variant.
Coding change: c.1196A>G on transcript NM_020708.5 (MANE Select); coding-DNA position 1196, A replaced by G.
Protein change: p.Tyr399Cys; replaces tyrosine 399 with cysteine.
Molecular consequence: missense variant.
Genome position (GRCh38, 1-based): chr20:46,043,282, A>G. VCF-style: chr20-46043282-A-G. GRCh37 (hg19) VCF-style: chr20-44671921-A-G.
Other names: c.1265A>G, p.Tyr422Cys (NM_001134771.2); short protein forms Y399C, Y422C.
Identifiers: ClinVar variation 2117442 (VCV002117442.4), dbSNP rs2515641204, ClinGen allele CA409192270.
Genomic context (GRCh38, chr20:46,043,282, plus strand): 5'-TGGCCGATGGCACTCCTATCGACATGGACCACCCTTATGTCTTCAGTGATATGACCTCCT[A>G]CTTCACCCTGCTGGTTGGCATCTACTTCCCCTCAGTCACAGGTGAAGGGGAGCTCAGAGA-3'
Protein context (NP_065759.1, residues 389-409): HPYVFSDMTS[Tyr399Cys]FTLLVGIYFP

ClinVar aggregate classification (germline): Uncertain significance (1 of 4 stars; one submission).

Conditions:
Developmental and epileptic encephalopathy, 34 (DEE34). Also called: SLC12A5-Related Epilepsy of Infancy with Migrating Focal Seizures; Early infantile epileptic encephalopathy 34. Identifiers: Orphanet 293181, MedGen C4225257, MONDO:0014718, OMIM 616645.

Submission:

Labcorp Genetics (formerly Invitae), Labcorp
Classification: Uncertain significance for Developmental and epileptic encephalopathy, 34. Last evaluated: 2022-03-26. Review status: criteria provided, single submitter. Criteria: Invitae Variant Classification Sherloc (09022015). Collection method: clinical testing. Allele origin: germline.
Comment: In summary, the available evidence is currently insufficient to determine the role of this variant in disease. Therefore, it has been classified as a Variant of Uncertain Significance. Algorithms developed to predict the effect of missense changes on protein structure and function (SIFT, PolyPhen-2, Align-GVGD) all suggest that this variant is likely to be tolerated. This variant has not been reported in the literature in individuals affected with SLC12A5-related conditions. This variant is not present in population databases (gnomAD no frequency). This sequence change replaces tyrosine, which is neutral and polar, with cysteine, which is neutral and slightly polar, at codon 399 of the SLC12A5 protein (p.Tyr399Cys).